The following is an entry in ClinVar:

NM_004333.6(BRAF):c.320C>G (p.Thr107Ser)

Gene: BRAF (B-Raf proto-oncogene, serine/threonine kinase; minus strand). Cytogenetic location: 7q34.
Variant type: single nucleotide variant.
Coding change: c.320C>G on transcript NM_004333.6 (MANE Select); coding-DNA position 320, C replaced by G.
Protein change: p.Thr107Ser; replaces threonine 107 with serine.
Molecular consequence: missense variant. On other transcripts: intron variant (1).
Genome position (GRCh38, 1-based): chr7:140,834,793, G>C on the plus strand (C>G on the coding strand, the complement: BRAF is on the minus strand). VCF-style: chr7-140834793-G-C. GRCh37 (hg19) VCF-style: chr7-140534593-G-C.
Other names: c.320C>G, p.Thr107Ser (NM_001374258.1, NM_001378467.1, NM_001378468.1 and 5 more transcripts); c.218C>G, p.Thr73Ser (NM_001378470.1); c.164C>G, p.Thr55Ser (NM_001378472.1, NM_001378473.1); c.240+15318C>G (NM_001378475.1); short protein forms T55S, T73S, T107S.
Identifiers: ClinVar variation 3825230 (VCV003825230.1).

ClinVar aggregate classification (germline): Uncertain significance (1 of 4 stars; one submission).

Conditions:
Cardiovascular phenotype. Identifiers: MedGen CN230736.

gnomAD v4.1: 2 of 1,614,194 alleles (0.00012%); highest among the groups gnomAD compares: Non-Finnish European, 0.00017%; no homozygotes.

Submission:

Ambry Genetics
Classification: Uncertain significance for Cardiovascular phenotype. Last evaluated: 2025-01-11. Review status: criteria provided, single submitter. Criteria: Ambry Variant Classification Scheme 2023. Collection method: clinical testing. Allele origin: germline.
Comment: The p.T107S variant (also known as c.320C>G), located in coding exon 3 of the BRAF gene, results from a C to G substitution at nucleotide position 320. The threonine at codon 107 is replaced by serine, an amino acid with similar properties. This amino acid position is conserved. In addition, this alteration is predicted to be tolerated by in silico analysis. Based on the available evidence, the clinical significance of this variant remains unclear.